The following is an entry in ClinVar:

ClinVar aggregate classification (germline): Likely benign (1 of 4 stars; one submission).

Allele frequency attached by ClinVar (database versions not stated): ExAC 0.00009; gnomAD exomes 0.00009; gnomAD 0.00011; TOPMed 0.00014; 1000 Genomes Project 30x 0.00016; ESP Exome Variant Server 0.00017; 1000 Genomes Project 0.00020.
gnomAD v4.1: 155 of 1,601,586 alleles (0.0097%); highest among the groups gnomAD compares: Middle Eastern, 0.39%; no homozygotes.

Submission:

CeGaT Center for Human Genetics Tuebingen
Classification: Likely benign. Last evaluated: 2022-09-01. Review status: criteria provided, single submitter. Criteria: CeGaT Center For Human Genetics Tuebingen Variant Classification Criteria Version 2. Collection method: clinical testing. Allele origin: germline. Affected: yes. Observed: 1 variant allele.
Comment: FSIP2: BP4, BP7

NM_173651.4(FSIP2):c.17823T>C (p.Asn5941=)

Gene: FSIP2 (fibrous sheath interacting protein 2; plus strand). Cytogenetic location: 2q32.1.
Variant type: single nucleotide variant.
Coding change: c.17823T>C on transcript NM_173651.4 (MANE Select); coding-DNA position 17823, T replaced by C.
Protein change: p.Asn5941=; no amino-acid change (asparagine 5941 retained).
Molecular consequence: synonymous variant.
Genome position (GRCh38, 1-based): chr2:185,807,129, T>C. VCF-style: chr2-185807129-T-C. GRCh37 (hg19) VCF-style: chr2-186671856-T-C.
Identifiers: ClinVar variation 2651754 (VCV002651754.24), dbSNP rs150339040, ClinGen allele CA2017462.